The following is an entry in ClinVar:

NM_002900.3(RBP3):c.2973G>C (p.Met991Ile)

Gene: RBP3 (retinol binding protein 3; plus strand). Cytogenetic location: 10q11.22.
Variant type: single nucleotide variant.
Coding change: c.2973G>C on transcript NM_002900.3 (MANE Select); coding-DNA position 2973, G replaced by C.
Protein change: p.Met991Ile; replaces methionine 991 with isoleucine.
Molecular consequence: missense variant.
Genome position (GRCh38, 1-based): chr10:47,351,457, G>C. VCF-style: chr10-47351457-G-C. GRCh37 (hg19) VCF-style: chr10-48387905-C-G.
Other names: short protein forms M991I.
Identifiers: ClinVar variation 1497628 (VCV001497628.8), dbSNP rs781838577, ClinGen allele CA206465872.

ClinVar aggregate classification (germline): Uncertain significance (1 of 4 stars; one submission).

Allele frequency attached by ClinVar (database versions not stated): TOPMed below 0.00001; gnomAD 0.00001.
gnomAD v4.1: 1 of 1,613,732 alleles (0.000062%); highest among the groups gnomAD compares: Admixed American, 0.0017%; no homozygotes.

Submission:

Labcorp Genetics (formerly Invitae), Labcorp
Classification: Uncertain significance. Last evaluated: 2022-07-05. Review status: criteria provided, single submitter. Criteria: Invitae Variant Classification Sherloc (09022015). Collection method: clinical testing. Allele origin: germline.
Comment: This variant has not been reported in the literature in individuals affected with RBP3-related conditions. This variant is not present in population databases (gnomAD no frequency). This sequence change replaces methionine, which is neutral and non-polar, with isoleucine, which is neutral and non-polar, at codon 991 of the RBP3 protein (p.Met991Ile). ClinVar contains an entry for this variant (Variation ID: 1497628). Algorithms developed to predict the effect of missense changes on protein structure and function (SIFT, PolyPhen-2, Align-GVGD) all suggest that this variant is likely to be tolerated. In summary, the available evidence is currently insufficient to determine the role of this variant in disease. Therefore, it has been classified as a Variant of Uncertain Significance.